The following is an entry in ClinVar:

NM_001005242.3(PKP2):c.2471T>A (p.Val824Asp)

Gene: PKP2 (plakophilin 2; minus strand). Cytogenetic location: 12p11.21.
Variant type: single nucleotide variant.
Coding change: c.2471T>A on transcript NM_001005242.3 (MANE Select); coding-DNA position 2471, T replaced by A.
Protein change: p.Val824Asp; replaces valine 824 with aspartic acid.
Molecular consequence: missense variant.
Genome position (GRCh38, 1-based): chr12:32,792,467, A>T on the plus strand (T>A on the coding strand, the complement: PKP2 is on the minus strand). VCF-style: chr12-32792467-A-T. GRCh37 (hg19) VCF-style: chr12-32945401-A-T.
Other names: c.2603T>A, p.Val868Asp (NM_004572.4); short protein forms V868D, V824D.
Identifiers: ClinVar variation 571699 (VCV000571699.10), dbSNP rs752195586, ClinGen allele CA036248.

ClinVar aggregate classification (germline): Uncertain significance. Review status: criteria provided, multiple submitters, no conflicts (2 of 4 stars). 2 submissions from 2 submitters: Uncertain significance (2). Last evaluated 2026-02-13.

Conditions:
Arrhythmogenic right ventricular dysplasia 9 (ARVD9). Also called: Arrhythmogenic Right Ventricular Dysplasia/Cardiomyopathy 9; ARRHYTHMOGENIC RIGHT VENTRICULAR DYSPLASIA, FAMILIAL, 9. Identifiers: MedGen C1836906, MONDO:0012180, OMIM 609040.

Allele frequency attached by ClinVar (database versions not stated): TOPMed below 0.00001; ExAC 0.00001; gnomAD exomes 0.00001.
gnomAD v4.1: 5 of 1,613,940 alleles (0.00031%); highest among the groups gnomAD compares: Non-Finnish European, 0.00034%; no homozygotes.

Submissions (2):

Dasa
Classification: Uncertain significance for Arrhythmogenic right ventricular dysplasia 9. Last evaluated: 2026-02-13. Review status: criteria provided, single submitter. Criteria: DASA Assertion Criteria. Collection method: clinical testing. Allele origin: germline.
Comment: NM_001005242.3(PKP2):c.2471T>A (p.Val824Asp) is a missense variant that results in the substitution of valine with aspartic acid. This variant has been reported in individuals with PKP2-related disorders (PMID: 24981977). Also, this variant is rare in population databases. Computational prediction algorithms are consistent with a deleterious effect. The currently available literature and clinical evidence are not sufficient to establish a definitive association between this variant and the reported condition. Therefore, this variant is classified as a variant of uncertain significance.

Labcorp Genetics (formerly Invitae), Labcorp
Classification: Uncertain significance for Arrhythmogenic right ventricular dysplasia 9. Last evaluated: 2024-12-12. Review status: criteria provided, single submitter. Criteria: Invitae Variant Classification Sherloc (09022015). Collection method: clinical testing. Allele origin: germline.
Comment: This sequence change replaces valine, which is neutral and non-polar, with aspartic acid, which is acidic and polar, at codon 868 of the PKP2 protein (p.Val868Asp). This variant is present in population databases (rs752195586, gnomAD 0.002%). This missense change has been observed in individual(s) with sudden death (PMID: 24981977). ClinVar contains an entry for this variant (Variation ID: 571699). An algorithm developed to predict the effect of missense changes on protein structure and function (PolyPhen-2) suggests that this variant is likely to be disruptive. In summary, the available evidence is currently insufficient to determine the role of this variant in disease. Therefore, it has been classified as a Variant of Uncertain Significance.

Literature cited by the submitters: PubMed 24981977 (cited by Dasa and Labcorp Genetics (formerly Invitae), Labcorp).